The following is an entry in ClinVar:

NM_003680.4(YARS1):c.*681T>G

Gene: YARS1 (tyrosyl-tRNA synthetase 1; minus strand). Cytogenetic location: 1p35.1.
Variant type: single nucleotide variant.
Coding change: c.*681T>G on transcript NM_003680.4 (MANE Select); 681 bases downstream of the stop codon, T replaced by G.
Molecular consequence: 3 prime UTR variant.
Genome position (GRCh38, 1-based): chr1:32,775,300, A>C on the plus strand (T>G on the coding strand, the complement: YARS1 is on the minus strand). VCF-style: chr1-32775300-A-C. GRCh37 (hg19) VCF-style: chr1-33240901-A-C.
Identifiers: ClinVar variation 297134 (VCV000297134.5), dbSNP rs78319035, ClinGen allele CA10610970.

ClinVar aggregate classification (germline): Benign (1 of 4 stars; one submission).

Conditions:
Charcot-Marie-Tooth disease dominant intermediate C (CMTDIC). Also called: CHARCOT-MARIE-TOOTH NEUROPATHY, DOMINANT INTERMEDIATE C. Identifiers: Orphanet 100045, MedGen C1842237, MONDO:0012012, OMIM 608323.

Allele frequency attached by ClinVar (database versions not stated): gnomAD exomes 0.00181; gnomAD 0.00663 and 0.00714; 1000 Genomes Project 0.00719; TOPMed 0.00776; 1000 Genomes Project 30x 0.00906.
gnomAD v4.1: 1,004 of 152,878 alleles (0.66%); highest among the groups gnomAD compares: African/African-American, 2.3%; 14 homozygotes.

Submission:

Illumina Laboratory Services, Illumina
Classification: Benign for Charcot-Marie-Tooth disease dominant intermediate C. Last evaluated: 2018-01-13. Review status: criteria provided, single submitter. Criteria: ICSL Variant Classification Criteria 13 December 2019. Collection method: clinical testing. Allele origin: germline.
Comment: This variant was observed in the ICSL laboratory as part of a predisposition screen in an ostensibly healthy population. It had not been previously curated by ICSL or reported in the Human Gene Mutation Database (HGMD: prior to June 1st, 2018), and was therefore a candidate for classification through an automated scoring system. Utilizing variant allele frequency, disease prevalence and penetrance estimates, and inheritance mode, an automated score was calculated to assess if this variant is too frequent to cause the disease. Based on the score and internal cut-off values, a variant classified as benign is not then subjected to further curation. The score for this variant resulted in a classification of benign for this disease.